The following is an entry in ClinVar:

ClinVar aggregate classification (germline): Likely pathogenic (1 of 4 stars; one submission).

Conditions:
Vascular malformation. Also called: Vascular malformations. Identifiers: MedGen C0158570, MONDO:0024291.

Submission:

Clinical Genomics Laboratory, Washington University in St. Louis
Classification: Likely pathogenic for Vascular malformation. Last evaluated: 2024-08-06. Review status: criteria provided, single submitter. Criteria: Leon-Quintero et al. (Clin Genet. 2025). Collection method: clinical testing. Allele origin: somatic. Affected: yes.
Comment: A PIK3R1 c.1737_1745del (p.Gln580_Tyr582del) variant was identified at an allelic fraction consistent with somatic origin. This variant, to our knowledge, has not been reported in the medical literature. This variant is absent from the general population (gnomAD v.4.1.0), indicating it is not a common variant. The PIK3R1 c.1737_1745del (p.Gln580_Tyr582del) variant resides within a region, the inter-SH2 domain, amino acids 429-623, of PIK3R1 that is defined as a critical functional domain and is a region enriched with pathogenic variation in individuals with vascular malformations and overgrowth (Liu S et al., PMID: 24459181; Chen L et al., PMID: 29636477; Cottrell C et al. PMID: 34040190). Functional studies of many other in-frame insertions and/or deletions in this region, show nearly two-fold increased activity as measured by an in vitro phosphatidylinositol phosphorylation assay, retaining p110alpha binding but losing inhibitory activity, indicating that this variant impacts protein function (Jaiswal BS et al., PMID: 19962665; Ross RL et al., PMID: 24367658). This variant is predicted to cause a change in the length of the protein due to an in-frame deletion of two amino acids in a non-repeat region. Based on available information and an internally developed protocol informed by the ACMG/AMP guidelines for variant interpretation and gene-specific practices from the ClinGen Criteria Specification Registry (Leon-Quintero FZ et al., PMID: 39434542), the PIK3R1 c.1737_1745del (p.Gln580_Tyr582del) variant is classified as likely pathogenic.

NM_181523.3(PIK3R1):c.1737_1745del (p.Tyr580_Met582del)

Gene: PIK3R1 (phosphoinositide-3-kinase regulatory subunit 1; plus strand). Cytogenetic location: 5q13.1.
Variant type: Deletion.
Coding change: c.1737_1745del on transcript NM_181523.3 (MANE Select); coding-DNA positions 1737 to 1745, 9 bases deleted (ATACTTGAT; older notation c.1737_1745delATACTTGAT).
Protein change: p.Tyr580_Met582del.
Genome position (GRCh38, 1-based): chr5:68,295,316-68,295,324, ATACTTGAT deleted. VCF-style (leftmost placement, unchanged base first): chr5-68295315-AATACTTGAT-A. GRCh37 (hg19) VCF-style: chr5-67591143-AATACTTGAT-A.
Other names: c.648_656del, p.Tyr217_Met219del (NM_001242466.2); c.927_935del, p.Tyr310_Met312del (NM_181504.4); c.837_845del, p.Tyr280_Met282del (NM_181524.2).
Identifiers: ClinVar variation 3774508 (VCV003774508.1).